The following is an entry in ClinVar:

ClinVar aggregate classification (germline): Uncertain significance (1 of 4 stars; one submission).

Conditions:
Kleefstra syndrome 2 (KLEFS2). Identifiers: MedGen C4540395, MONDO:0054701, OMIM 617768.

Submission:

OLLIN Analises Genomicas, OLLIN
Classification: Uncertain significance for Kleefstra syndrome 2. Last evaluated: 2026-02-13. Review status: criteria provided, single submitter. Criteria: ACMG Guidelines 2015 PMID 25741868. Collection method: clinical testing. Allele origin: germline. Observed: 1 variant allele.
Comment: PM2_P, BP4

NM_170606.3(KMT2C):c.5421G>C (p.Gln1807His)

Gene: KMT2C (lysine methyltransferase 2C; minus strand). Cytogenetic location: 7q36.1.
Variant type: single nucleotide variant.
Coding change: c.5421G>C on transcript NM_170606.3 (MANE Select); coding-DNA position 5421, G replaced by C.
Protein change: p.Gln1807His; replaces glutamine 1807 with histidine.
Molecular consequence: missense variant.
Genome position (GRCh38, 1-based): chr7:152,182,439, C>G on the plus strand (G>C on the coding strand, the complement: KMT2C is on the minus strand). VCF-style: chr7-152182439-C-G. GRCh37 (hg19) VCF-style: chr7-151879524-C-G.
Other names: short protein forms Q1807H.
Identifiers: ClinVar variation 4814085 (VCV004814085.1).